The following is an entry in ClinVar:

ClinVar aggregate classification (germline): Uncertain significance. Review status: criteria provided, multiple submitters, no conflicts (2 of 4 stars). 2 submissions from 2 submitters: Uncertain significance (2). Last evaluated 2026-06-05.

Conditions:
Ehlers-Danlos syndrome, classic type, 1 (EDSCL1). Also called: EHLERS-DANLOS SYNDROME, GRAVIS TYPE; EHLERS-DANLOS SYNDROME, SEVERE CLASSIC TYPE; Ehlers-Danlos syndrome, type 1; EDS I; Ehlers-Danlos Syndrome, Classic Type, COL5A1-Related. Identifiers: MedGen C0268335, MONDO:0019567, OMIM 130000.

Allele frequency attached by ClinVar (database versions not stated): TOPMed below 0.00001; gnomAD 0.00001; gnomAD exomes below 0.00001.
gnomAD v4.1: 3 of 1,614,106 alleles (0.00019%); highest among the groups gnomAD compares: African/African-American, 0.0013%; no homozygotes.

Submissions (2):

Women's Health and Genetics/Laboratory Corporation of America, LabCorp
Classification: Uncertain significance. Last evaluated: 2026-06-05. Review status: criteria provided, single submitter. Criteria: LabCorp Variant Classification Summary - May 2015. Collection method: clinical testing. Allele origin: germline.

Labcorp Genetics (formerly Invitae), Labcorp
Classification: Uncertain significance for Ehlers-Danlos syndrome, classic type, 1. Last evaluated: 2022-12-07. Review status: criteria provided, single submitter. Criteria: Invitae Variant Classification Sherloc (09022015). Collection method: clinical testing. Allele origin: germline.
Comment: This variant is not present in population databases (gnomAD no frequency). This sequence change replaces threonine, which is neutral and polar, with isoleucine, which is neutral and non-polar, at codon 957 of the COL5A1 protein (p.Thr957Ile). This variant has not been reported in the literature in individuals affected with COL5A1-related conditions. In summary, the available evidence is currently insufficient to determine the role of this variant in disease. Therefore, it has been classified as a Variant of Uncertain Significance. Advanced modeling of protein sequence and biophysical properties (such as structural, functional, and spatial information, amino acid conservation, physicochemical variation, residue mobility, and thermodynamic stability) performed at Invitae indicates that this missense variant is not expected to disrupt COL5A1 protein function.

NM_000093.5(COL5A1):c.2870C>T (p.Thr957Ile)

Gene: COL5A1 (collagen type V alpha 1 chain; plus strand). Cytogenetic location: 9q34.3.
Variant type: single nucleotide variant.
Coding change: c.2870C>T on transcript NM_000093.5 (MANE Select); coding-DNA position 2870, C replaced by T.
Protein change: p.Thr957Ile; replaces threonine 957 with isoleucine.
Molecular consequence: missense variant.
Genome position (GRCh38, 1-based): chr9:134,796,873, C>T. VCF-style: chr9-134796873-C-T. GRCh37 (hg19) VCF-style: chr9-137688719-C-T.
Other names: c.2870C>T, p.Thr957Ile (NM_001278074.1); short protein forms T957I.
Identifiers: ClinVar variation 3014831 (VCV003014831.4), dbSNP rs1238099881, ClinGen allele CA375457072.